The following is an entry in ClinVar:

NM_003190.5(TAPBP):c.410G>C (p.Ser137Thr)

Gene: TAPBP (TAP binding protein; minus strand). Cytogenetic location: 6p21.32.
Variant type: single nucleotide variant.
Coding change: c.410G>C on transcript NM_003190.5 (MANE Select); coding-DNA position 410, G replaced by C.
Protein change: p.Ser137Thr; replaces serine 137 with threonine.
Molecular consequence: missense variant. On other transcripts: intron variant (1).
Genome position (GRCh38, 1-based): chr6:33,313,276, C>G on the plus strand (G>C on the coding strand, the complement: TAPBP is on the minus strand). VCF-style: chr6-33313276-C-G. GRCh37 (hg19) VCF-style: chr6-33281053-C-G.
Other names: c.410G>C, p.Ser137Thr (NM_001410875.1, NM_172208.3); c.208+418G>C (NM_172209.3); short protein forms S137T.
Identifiers: ClinVar variation 4728985 (VCV004728985.1).
Genomic context (GRCh38, chr6:33,313,276, plus strand): 5'-CCTGTTGCCATGGTGATGAGAACAGGCTCCTGCTGAGGCTCTGGCTGTGGTCGCAAGAGG[C>G]TGGAGAGGCTGAGGACTGGGCTGGATATGCTGACCATCAGCCAAGCCCCATCCAGGGCCC-3'
Protein context (NP_003181.3, residues 127-147): SISSPVLSLS[Ser137Thr]LLRPQPEPQQ

ClinVar aggregate classification (germline): Uncertain significance (1 of 4 stars; one submission).

Conditions:
MHC class I deficiency. Identifiers: Orphanet 34592, MedGen C6024714, MONDO:0011476.

Submission:

Labcorp Genetics (formerly Invitae), Labcorp
Classification: Uncertain significance for MHC class I deficiency 1. Last evaluated: 2025-10-12. Review status: criteria provided, single submitter. Criteria: Invitae Variant Classification Sherloc (09022015). Collection method: clinical testing. Allele origin: germline.
Comment: This sequence change replaces serine, which is neutral and polar, with threonine, which is neutral and polar, at codon 137 of the TAPBP protein (p.Ser137Thr). This variant is not present in population databases (gnomAD no frequency). This variant has not been reported in the literature in individuals affected with TAPBP-related conditions. An algorithm developed to predict the effect of missense changes on protein structure and function (PolyPhen-2) suggests that this variant is likely to be disruptive. In summary, the available evidence is currently insufficient to determine the role of this variant in disease. Therefore, it has been classified as a Variant of Uncertain Significance.